The following is an entry in ClinVar:

NM_000093.5(COL5A1):c.3326C>T (p.Pro1109Leu)

Gene: COL5A1 (collagen type V alpha 1 chain; plus strand). Cytogenetic location: 9q34.3.
Variant type: single nucleotide variant.
Coding change: c.3326C>T on transcript NM_000093.5 (MANE Select); coding-DNA position 3326, C replaced by T.
Protein change: p.Pro1109Leu; replaces proline 1109 with leucine.
Molecular consequence: missense variant.
Genome position (GRCh38, 1-based): chr9:134,806,256, C>T. VCF-style: chr9-134806256-C-T. GRCh37 (hg19) VCF-style: chr9-137698102-C-T.
Other names: c.3326C>T, p.Pro1109Leu (NM_001278074.1); short protein forms P1109L.
Identifiers: ClinVar variation 3704967 (VCV003704967.2).

ClinVar aggregate classification (germline): Uncertain significance (1 of 4 stars; one submission).

Conditions:
Ehlers-Danlos syndrome, classic type, 1 (EDSCL1). Also called: EHLERS-DANLOS SYNDROME, GRAVIS TYPE; EHLERS-DANLOS SYNDROME, SEVERE CLASSIC TYPE; Ehlers-Danlos syndrome, type 1; Ehlers-Danlos Syndrome, Classic Type, COL5A1-Related; EDS I. Identifiers: MedGen C0268335, MONDO:0019567, OMIM 130000.

Submission:

Labcorp Genetics (formerly Invitae), Labcorp
Classification: Uncertain significance for Ehlers-Danlos syndrome, classic type, 1. Last evaluated: 2026-01-12. Review status: criteria provided, single submitter. Criteria: Invitae Variant Classification Sherloc (09022015). Collection method: clinical testing. Allele origin: germline.
Comment: This sequence change replaces proline, which is neutral and non-polar, with leucine, which is neutral and non-polar, at codon 1109 of the COL5A1 protein (p.Pro1109Leu). This variant is not present in population databases (gnomAD no frequency). This variant has not been reported in the literature in individuals affected with COL5A1-related conditions. ClinVar contains an entry for this variant (Variation ID: 3704967). Invitae Evidence Modeling of protein sequence and biophysical properties (such as structural, functional, and spatial information, amino acid conservation, physicochemical variation, residue mobility, and thermodynamic stability) indicates that this missense variant is not expected to disrupt COL5A1 protein function with a negative predictive value of 95%. In summary, the available evidence is currently insufficient to determine the role of this variant in disease. Therefore, it has been classified as a Variant of Uncertain Significance.